The following is an entry in ClinVar:

NM_006662.3(SRCAP):c.7207C>T (p.Arg2403Trp)

Gene: SRCAP (Snf2 related CREBBP activator protein; plus strand). Cytogenetic location: 16p11.2.
Variant type: single nucleotide variant.
Coding change: c.7207C>T on transcript NM_006662.3 (MANE Select); coding-DNA position 7207, C replaced by T.
Protein change: p.Arg2403Trp; replaces arginine 2403 with tryptophan.
Molecular consequence: missense variant.
Genome position (GRCh38, 1-based): chr16:30,737,247, C>T. VCF-style: chr16-30737247-C-T. GRCh37 (hg19) VCF-style: chr16-30748568-C-T.
Other names: c.7207C>T (NM_006662.2); short protein forms R2403W.
Identifiers: ClinVar variation 2872886 (VCV002872886.4), dbSNP rs1217037314, ClinGen allele CA395632342.
Genomic context (GRCh38, chr16:30,737,247, plus strand): 5'-AAAAAGGCCAAAGCCCCTGAGAGGCCGGGGACTCGTGTCAGTGAGCGTCTTCGTGGAGCC[C>T]GGGCTGAGACTCAAGGGGCAAACCACACTCCTGTCATATCCGCCCATCAAACTCGCAGCA-3'
Protein context (NP_006653.2, residues 2393-2413): TRVSERLRGA[Arg2403Trp]AETQGANHTP

ClinVar aggregate classification (germline): Uncertain significance. Review status: criteria provided, multiple submitters, no conflicts (2 of 4 stars). 2 submissions from 2 submitters: Uncertain significance (2). Last evaluated 2025-12-30.

Conditions:
Inborn genetic diseases. Identifiers: MedGen C0950123, MeSH D030342.

gnomAD v4.1: 4 of 1,614,042 alleles (0.00025%); highest among the groups gnomAD compares: Non-Finnish European, 0.00034%; no homozygotes.

Submissions (2):

Ambry Genetics
Classification: Uncertain significance for Inborn genetic diseases. Last evaluated: 2025-12-30. Review status: criteria provided, single submitter. Criteria: Ambry Variant Classification Scheme 2023. Collection method: clinical testing. Allele origin: germline.
Comment: The c.7207C>T (p.R2403W) alteration is located in exon 34 (coding exon 32) of the SRCAP gene. This alteration results from a C to T substitution at nucleotide position 7207, causing the arginine (R) at amino acid position 2403 to be replaced by a tryptophan (W). Based on data from gnomAD, the T allele has an overall frequency of <0.001% (1/251336) total alleles studied. The highest observed frequency was 0.001% (1/113654) of European (non-Finnish) alleles. Based on insufficient or conflicting evidence, the clinical significance of this alteration remains unclear.

Labcorp Genetics (formerly Invitae), Labcorp
Classification: Uncertain significance. Last evaluated: 2022-11-01. Review status: criteria provided, single submitter. Criteria: Invitae Variant Classification Sherloc (09022015). Collection method: clinical testing. Allele origin: germline.
Comment: Advanced modeling of protein sequence and biophysical properties (such as structural, functional, and spatial information, amino acid conservation, physicochemical variation, residue mobility, and thermodynamic stability) performed at Invitae indicates that this missense variant is not expected to disrupt SRCAP protein function. In summary, the available evidence is currently insufficient to determine the role of this variant in disease. Therefore, it has been classified as a Variant of Uncertain Significance. This variant has not been reported in the literature in individuals affected with SRCAP-related conditions. This variant is present in population databases (no rsID available, gnomAD 0.0009%). This sequence change replaces arginine, which is basic and polar, with tryptophan, which is neutral and slightly polar, at codon 2403 of the SRCAP protein (p.Arg2403Trp).